The following is an entry in ClinVar:

ClinVar aggregate classification (germline): Pathogenic (1 of 4 stars; one submission).

Conditions:
Leigh syndrome (NULS). Also called: Leigh's syndrome; Leigh Disease; Subacute necrotizing encephalopathy; Necrotizing encephalopathy infantile subacute of Leigh; LEIGH SYNDROME, NUCLEAR; Leigh Syndrome (mtDNA deletion). Identifiers: Orphanet 506, MedGen C2931891, MONDO:0009723, OMIM 256000.

Submission:

Key Laboratory of Laboratory Medicine, Ministry of Education, Wenzhou Medical University
Classification: Pathogenic for Leigh syndrome. Last evaluated: 2024-03-01. Review status: criteria provided, single submitter. Criteria: ACMG Guidelines, 2015. Collection method: research, in vitro. Allele origin: de novo, not applicable. Affected: yes. Observed: 1 variant allele. Functional consequence: loss_of_function_variant.
Comment: PS2+PS3+PM2(ACMG Guidelines, 2015)

NC_012920.1(MT-ND1):m.3457G>A

Gene: MT-ND1 (mitochondrially encoded NADH dehydrogenase 1; plus strand).
Variant type: single nucleotide variant.
Genome position: chrM-3457-G-A.
Identifiers: ClinVar variation 3255386 (VCV003255386.3).